The following is an entry in ClinVar:

ClinVar aggregate classification (germline): Likely benign (1 of 4 stars; one submission).

Allele frequency attached by ClinVar (database versions not stated): TOPMed below 0.00001.
gnomAD v4.1: 1 of 1,599,400 alleles (0.000063%); no homozygotes.

Submission:

CeGaT Center for Human Genetics Tuebingen
Classification: Likely benign. Last evaluated: 2024-02-01. Review status: criteria provided, single submitter. Criteria: CeGaT Center For Human Genetics Tuebingen Variant Classification Criteria Version 2. Collection method: clinical testing. Allele origin: germline. Affected: yes. Observed: 2 variant alleles.
Comment: ABCB6: PM2, BP4, BS2

NM_005689.4(ABCB6):c.683G>A (p.Ser228Asn)

Gene: ABCB6 (ATP binding cassette subfamily B member 6 (LAN blood group); minus strand). Cytogenetic location: 2q35.
Variant type: single nucleotide variant.
Coding change: c.683G>A on transcript NM_005689.4 (MANE Select); coding-DNA position 683, G replaced by A.
Protein change: p.Ser228Asn; replaces serine 228 with asparagine.
Molecular consequence: missense variant. On other transcripts: intron variant (1).
Genome position (GRCh38, 1-based): chr2:219,217,674, C>T on the plus strand (G>A on the coding strand, the complement: ABCB6 is on the minus strand). VCF-style: chr2-219217674-C-T. GRCh37 (hg19) VCF-style: chr2-220082396-C-T.
Other names: c.549+451G>A (NM_001349828.2); short protein forms S228N.
Identifiers: ClinVar variation 2582991 (VCV002582991.25), dbSNP rs1278660161, ClinGen allele CA350643021.